The following is an entry in ClinVar:

NM_001371596.2(MFSD8):c.1445G>C (p.Arg482Pro)

Gene: MFSD8 (major facilitator superfamily domain containing 8; minus strand). Cytogenetic location: 4q28.2.
Variant type: single nucleotide variant.
Coding change: c.1445G>C on transcript NM_001371596.2 (MANE Select); coding-DNA position 1445, G replaced by C.
Protein change: p.Arg482Pro; replaces arginine 482 with proline.
Molecular consequence: missense variant. On other transcripts: 3 prime UTR variant (1).
Genome position (GRCh38, 1-based): chr4:127,920,742, C>G on the plus strand (G>C on the coding strand, the complement: MFSD8 is on the minus strand). VCF-style: chr4-127920742-C-G. GRCh37 (hg19) VCF-style: chr4-128841897-C-G.
Other names: NC_000004.11:g.128841897C>G; NP_001350449.1:p.(Arg415Pro); c.1244G>C, p.Arg415Pro (NM_001363520.3); c.1130G>C, p.Arg377Pro (NM_001363521.3); c.1310G>C, p.Arg437Pro (NM_001371590.2); c.1454G>C, p.Arg485Pro (NM_001371591.2); c.1451G>C, p.Arg484Pro (NM_001371592.2); c.1331G>C, p.Arg444Pro (NM_001371593.2); and 5 more; short protein forms R332P, R377P, R388P, R415P, R433P, R437P, R444P, R482P.
Identifiers: ClinVar variation 2577520 (VCV002577520.3), dbSNP rs547726489, ClinGen allele CA105669915.
Genomic context (GRCh38, chr4:127,920,742, plus strand): 5'-ACCACTCCCAGGAGGGTGATGGTGAGCACTATTATTCCACACACCAGGCTGAATGCCCAT[C>G]GTGGTCCCCAGTGAGCATACACTTGGCTGATGAACATAGGCCCAAGAATCCGGGCTCCAC-3'
Protein context (NP_001358525.1, residues 472-492): ISQVYAHWGP[Arg482Pro]WAFSLVCGII

ClinVar aggregate classification (germline): Conflicting classifications of pathogenicity. Review status: criteria provided, conflicting classifications (1 of 4 stars). 2 submissions from 2 submitters: Likely pathogenic (1); Uncertain significance (1). Last evaluated 2023-07-24.

Conditions:
Cone-rod dystrophy. Also called: Cone-rod degeneration; Cone/cone-rod dystrophy. Identifiers: Orphanet 1872, MedGen C4085590, MONDO:0015993, HP:0000548.
Retinal dystrophy. Also called: Inherited retinal dystrophy. Identifiers: Orphanet 71862, MedGen C0854723, MeSH D058499, MONDO:0019118, HP:0000556.

gnomAD v4.1: 2 of 1,614,068 alleles (0.00012%); highest among the groups gnomAD compares: Non-Finnish European, 0.00017%; no homozygotes.

Submissions (2):

Ophthalmic Genetics Group, Institute of Molecular and Clinical Ophthalmology Basel
Classification: Uncertain significance for Cone-rod dystrophy. Last evaluated: 2023-07-24. Review status: criteria provided, single submitter. Criteria: ACMG Guidelines, 2015. Collection method: research. Allele origin: germline. Affected: yes. Observed: 1 variant allele.
Comment: Clinical significance based on ACMG v2.0

This variant was classified as Uncertain significance based on ACMG criteria: PM2, PM1, PP2.

Institute of Human Genetics, Univ. Regensburg, Univ. Regensburg
Classification: Likely pathogenic for Retinal dystrophy. Last evaluated: 2023-01-01. Review status: criteria provided, single submitter. Criteria: ACMG Guidelines, 2015. Collection method: clinical testing. Allele origin: germline. Affected: yes.

Literature cited by the submitters: PubMed 36909829 (cited by Ophthalmic Genetics Group, Institute of Molecular and Clinical Ophthalmology Basel); PubMed 30543658 (cited by Institute of Human Genetics, Univ. Regensburg, Univ. Regensburg).